The following is an entry in ClinVar:

ClinVar aggregate classification (germline): Benign/Likely benign. Review status: criteria provided, multiple submitters, no conflicts (2 of 4 stars). 3 submissions from 3 submitters: Benign (1); Likely benign (2). Last evaluated 2025-11-22.

Conditions:
Hereditary cancer-predisposing syndrome. Also called: Neoplastic Syndromes, Hereditary; Tumor predisposition; Hereditary Cancer Syndrome; Hereditary neoplastic syndrome. Identifiers: Orphanet 140162, MedGen C0027672, MeSH D009386, MONDO:0015356.
Familial adenomatous polyposis 1 (FAP1). Also called: FAMILIAL ADENOMATOUS POLYPOSIS 1, ATTENUATED; POLYPOSIS, ADENOMATOUS INTESTINAL. Identifiers: MedGen C2713442, MONDO:0021056, OMIM 175100. Disease mechanism: loss of function.

Allele frequency attached by ClinVar (database versions not stated): TOPMed 0.00001.
gnomAD v4.1: 6 of 1,612,310 alleles (0.00037%); highest among the groups gnomAD compares: African/African-American, 0.0053%; no homozygotes.

Submissions (3):

Labcorp Genetics (formerly Invitae), Labcorp
Classification: Likely benign for Familial adenomatous polyposis 1. Last evaluated: 2025-11-22. Review status: criteria provided, single submitter. Criteria: Invitae Variant Classification Sherloc (09022015). Collection method: clinical testing. Allele origin: germline.

Myriad Genetics, Inc.
Classification: Benign for Familial adenomatous polyposis 1. Last evaluated: 2024-04-04. Review status: criteria provided, single submitter. Criteria: Myriad Autosomal Dominant, Autosomal Recessive and X-Linked Classification Criteria (2023). Collection method: clinical testing. Allele origin: unknown.
Comment: This variant is considered benign. This variant is a silent/synonymous amino acid change and it is not expected to impact splicing.

Ambry Genetics
Classification: Likely benign for Hereditary cancer-predisposing syndrome. Last evaluated: 2015-01-02. Review status: criteria provided, single submitter. Criteria: Ambry Variant Classification Scheme 2023. Collection method: clinical testing. Allele origin: germline.

NM_000038.6(APC):c.6474C>G (p.Pro2158=)

Gene: APC (APC regulator of Wnt signaling pathway; plus strand). Cytogenetic location: 5q22.2.
Variant type: single nucleotide variant.
Coding change: c.6474C>G on transcript NM_000038.6 (MANE Select); coding-DNA position 6474, C replaced by G.
Protein change: p.Pro2158=; no amino-acid change (proline 2158 retained).
Molecular consequence: synonymous variant.
Genome position (GRCh38, 1-based): chr5:112,842,068, C>G. VCF-style: chr5-112842068-C-G. GRCh37 (hg19) VCF-style: chr5-112177765-C-G.
Other names: c.6474C>G, p.Pro2158= (NM_001127510.3, NM_001354895.2); c.6420C>G, p.Pro2140= (NM_001127511.3); c.6528C>G, p.Pro2176= (NM_001354896.2); c.6504C>G, p.Pro2168= (NM_001354897.2); c.6399C>G, p.Pro2133= (NM_001354898.2); c.6390C>G, p.Pro2130= (NM_001354899.2); c.6351C>G, p.Pro2117= (NM_001354900.2); c.6297C>G, p.Pro2099= (NM_001354901.2); and 5 more.
Identifiers: ClinVar variation 186613 (VCV000186613.15), dbSNP rs772027192, ClinGen allele CA012225.